The following is an entry in ClinVar:

NM_001367721.1(CASK):c.838G>T (p.Asp280Tyr)

Gene: CASK (calcium/calmodulin dependent serine protein kinase; minus strand). Cytogenetic location: Xp11.4.
Variant type: single nucleotide variant.
Coding change: c.838G>T on transcript NM_001367721.1 (MANE Select); coding-DNA position 838, G replaced by T.
Protein change: p.Asp280Tyr; replaces aspartic acid 280 with tyrosine.
Molecular consequence: missense variant.
Genome position (GRCh38, 1-based): chrX:41,636,655, C>A on the plus strand (G>T on the coding strand, the complement: CASK is on the minus strand). VCF-style: chrX-41636655-C-A. GRCh37 (hg19) VCF-style: chrX-41495908-C-A.
Other names: c.838G>T, p.Asp280Tyr (NM_001126054.3, NM_001126055.3, NM_001410745.1 and 1 more transcripts); short protein forms D280Y.
Identifiers: ClinVar variation 1763189 (VCV001763189.2), dbSNP rs1216651413, ClinGen allele CA412994729.

ClinVar aggregate classification (germline): Uncertain significance (1 of 4 stars; one submission).

Conditions:
Inborn genetic diseases. Identifiers: MedGen C0950123, MeSH D030342.

Allele frequency attached by ClinVar (database versions not stated): TOPMed below 0.00001.

Submission:

Ambry Genetics
Classification: Uncertain significance for Inborn genetic diseases. Last evaluated: 2018-06-29. Review status: criteria provided, single submitter. Criteria: Ambry Variant Classification Scheme 2023. Collection method: clinical testing. Allele origin: germline.
Comment: The p.D280Y variant (also known as c.838G>T), located in coding exon 9 of the CASK gene, results from a G to T substitution at nucleotide position 838. The aspartic acid at codon 280 is replaced by tyrosine, an amino acid with highly dissimilar properties. This amino acid position is highly conserved in available vertebrate species. In addition, this alteration is predicted to be deleterious by in silico analysis. Since supporting evidence is limited at this time, the clinical significance of this alteration remains unclear.